The following is an entry in ClinVar:

NM_020987.5(ANK3):c.1933G>C (p.Asp645His)

Gene: ANK3 (ankyrin 3; minus strand). Cytogenetic location: 10q21.2.
Variant type: single nucleotide variant.
Coding change: c.1933G>C on transcript NM_020987.5 (MANE Select); coding-DNA position 1933, G replaced by C.
Protein change: p.Asp645His; replaces aspartic acid 645 with histidine.
Molecular consequence: missense variant.
Genome position (GRCh38, 1-based): chr10:60,186,867, C>G on the plus strand (G>C on the coding strand, the complement: ANK3 is on the minus strand). VCF-style: chr10-60186867-C-G. GRCh37 (hg19) VCF-style: chr10-61946625-C-G.
Other names: c.1915G>C, p.Asp639His (NM_001204403.2); c.1882G>C, p.Asp628His (NM_001204404.2); c.1933G>C, p.Asp645His (NM_001320874.2); short protein forms D628H, D639H, D645H.
Identifiers: ClinVar variation 3905839 (VCV003905839.10).

ClinVar aggregate classification (germline): Uncertain significance (1 of 4 stars; one submission).

gnomAD v4.1: 6 of 1,614,056 alleles (0.00037%); highest among the groups gnomAD compares: African/African-American, 0.008%; no homozygotes.

Submission:

CeGaT Center for Human Genetics Tuebingen
Classification: Uncertain significance. Last evaluated: 2025-05-01. Review status: criteria provided, single submitter. Criteria: CeGaT Center For Human Genetics Tuebingen Variant Classification Criteria Version 2. Collection method: clinical testing. Allele origin: germline. Affected: yes. Observed: 1 variant allele.
Comment: ANK3: PM2, PP3